The following is an entry in ClinVar:

ClinVar aggregate classification (germline): Uncertain significance (1 of 4 stars; one submission).

Submission:

Labcorp Genetics (formerly Invitae), Labcorp
Classification: Uncertain significance. Last evaluated: 2025-02-03. Review status: criteria provided, single submitter. Criteria: Invitae Variant Classification Sherloc (09022015). Collection method: clinical testing. Allele origin: germline.
Comment: This sequence change replaces isoleucine, which is neutral and non-polar, with valine, which is neutral and non-polar, at codon 797 of the IMPG2 protein (p.Ile797Val). This variant is not present in population databases (gnomAD no frequency). This variant has not been reported in the literature in individuals affected with IMPG2-related conditions. ClinVar contains an entry for this variant (Variation ID: 2037143). Invitae Evidence Modeling of protein sequence and biophysical properties (such as structural, functional, and spatial information, amino acid conservation, physicochemical variation, residue mobility, and thermodynamic stability) indicates that this missense variant is not expected to disrupt IMPG2 protein function with a negative predictive value of 80%. In summary, the available evidence is currently insufficient to determine the role of this variant in disease. Therefore, it has been classified as a Variant of Uncertain Significance.

NM_016247.4(IMPG2):c.2389A>G (p.Ile797Val)

Gene: IMPG2 (interphotoreceptor matrix proteoglycan 2; minus strand). Cytogenetic location: 3q12.3.
Variant type: single nucleotide variant.
Coding change: c.2389A>G on transcript NM_016247.4 (MANE Select); coding-DNA position 2389, A replaced by G.
Protein change: p.Ile797Val; replaces isoleucine 797 with valine.
Molecular consequence: missense variant.
Genome position (GRCh38, 1-based): chr3:101,243,942, T>C on the plus strand (A>G on the coding strand, the complement: IMPG2 is on the minus strand). VCF-style: chr3-101243942-T-C. GRCh37 (hg19) VCF-style: chr3-100962786-T-C.
Other names: short protein forms I797V.
Identifiers: ClinVar variation 2037143 (VCV002037143.4), dbSNP rs2508943350, ClinGen allele CA353857546.